The following is an entry in ClinVar:

NM_001374828.1(ARID1B):c.2608C>T (p.Pro870Ser)

Gene: ARID1B (AT-rich interaction domain 1B; plus strand). Cytogenetic location: 6q25.3.
Variant type: single nucleotide variant.
Coding change: c.2608C>T on transcript NM_001374828.1 (MANE Select); coding-DNA position 2608, C replaced by T.
Protein change: p.Pro870Ser; replaces proline 870 with serine.
Molecular consequence: missense variant.
Genome position (GRCh38, 1-based): chr6:157,133,054, C>T. VCF-style: chr6-157133054-C-T. GRCh37 (hg19) VCF-style: chr6-157454188-C-T.
Other names: c.2359C>T, p.Pro787Ser (NM_001346813.1); c.109C>T, p.Pro37Ser (NM_001363725.2); c.2647C>T, p.Pro883Ser (NM_001371656.1, NM_001374820.1); c.2608C>T, p.Pro870Ser (NM_017519.3); c.2398C>T, p.Pro800Ser (NM_020732.3); c.2185C>T, p.Pro729Ser (NM_175863.2); short protein forms P729S, P870S, P787S, P37S, P800S, P883S.
Identifiers: ClinVar variation 2061184 (VCV002061184.5), dbSNP rs773646023, ClinGen allele CA366388250.

ClinVar aggregate classification (germline): Uncertain significance. Review status: criteria provided, multiple submitters, no conflicts (2 of 4 stars). 2 submissions from 2 submitters: Uncertain significance (2). Last evaluated 2026-05-12.

Conditions:
Inborn genetic diseases. Identifiers: MedGen C0950123, MeSH D030342.

gnomAD v4.1: 5 of 1,605,982 alleles (0.00031%); highest among the groups gnomAD compares: Non-Finnish European, 0.00042%; no homozygotes.

Submissions (2):

Ambry Genetics
Classification: Uncertain significance for Inborn genetic diseases. Last evaluated: 2026-05-12. Review status: criteria provided, single submitter. Criteria: Ambry Variant Classification Scheme 2023. Collection method: clinical testing. Allele origin: germline.
Comment: The c.2398C>T (p.P800S) alteration is located in exon 8 (coding exon 8) of the ARID1B gene. This alteration results from a C to T substitution at nucleotide position 2398, causing the proline (P) at amino acid position 800 to be replaced by a serine (S). Based on data from gnomAD, the T allele has an overall frequency of <0.001% (1/242860) total alleles studied. The highest observed frequency was 0.001% (1/111146) of European (non-Finnish) alleles. Based on insufficient or conflicting evidence, the clinical significance of this alteration remains unclear.

Labcorp Genetics (formerly Invitae), Labcorp
Classification: Uncertain significance. Last evaluated: 2021-12-25. Review status: criteria provided, single submitter. Criteria: Invitae Variant Classification Sherloc (09022015). Collection method: clinical testing. Allele origin: germline.
Comment: In summary, the available evidence is currently insufficient to determine the role of this variant in disease. Therefore, it has been classified as a Variant of Uncertain Significance. Algorithms developed to predict the effect of missense changes on protein structure and function are either unavailable or do not agree on the potential impact of this missense change (SIFT: "Deleterious"; PolyPhen-2: "Benign"; Align-GVGD: "Class C0"). This variant has not been reported in the literature in individuals affected with ARID1B-related conditions. This variant is present in population databases (no rsID available, gnomAD 0.0009%). This sequence change replaces proline, which is neutral and non-polar, with serine, which is neutral and polar, at codon 800 of the ARID1B protein (p.Pro800Ser).